The following is an entry in ClinVar:

ClinVar aggregate classification (germline): Benign/Likely benign. Review status: criteria provided, multiple submitters, no conflicts (2 of 4 stars). 3 submissions from 3 submitters: Benign (1); Likely benign (2). Last evaluated 2025-08-31.

Conditions:
Lung cancer. Also called: Malignant tumor of lung; Lung cancer, somatic. Identifiers: MedGen C0242379, MONDO:0008903, OMIM 211980.
Hereditary cancer-predisposing syndrome. Also called: Tumor predisposition; Hereditary neoplastic syndrome; Neoplastic Syndromes, Hereditary; Hereditary Cancer Syndrome. Identifiers: Orphanet 140162, MedGen C0027672, MeSH D009386, MONDO:0015356.
EGFR-related lung cancer (EGFR). Identifiers: MedGen CN130014.

Submissions (3):

Ambry Genetics
Classification: Likely benign for Hereditary cancer-predisposing syndrome. Last evaluated: 2025-08-31. Review status: criteria provided, single submitter. Criteria: Ambry Variant Classification Scheme 2023. Collection method: clinical testing. Allele origin: germline.

Myriad Genetics, Inc.
Classification: Benign for Lung cancer. Last evaluated: 2024-10-16. Review status: criteria provided, single submitter. Criteria: Myriad Autosomal Dominant, Autosomal Recessive and X-Linked Classification Criteria (2023). Collection method: clinical testing. Allele origin: unknown.
Comment: This variant is considered benign. This variant is a silent/synonymous amino acid change and it is not expected to impact splicing.

Labcorp Genetics (formerly Invitae), Labcorp
Classification: Likely benign for EGFR-related lung cancer. Last evaluated: 2024-04-29. Review status: criteria provided, single submitter. Criteria: Invitae Variant Classification Sherloc (09022015). Collection method: clinical testing. Allele origin: germline.

NM_005228.5(EGFR):c.2130T>G (p.Thr710=)

Gene: EGFR (epidermal growth factor receptor; plus strand). Cytogenetic location: 7p11.2.
Variant type: single nucleotide variant.
Coding change: c.2130T>G on transcript NM_005228.5 (MANE Select); coding-DNA position 2130, T replaced by G.
Protein change: p.Thr710=; no amino-acid change (threonine 710 retained).
Molecular consequence: synonymous variant.
Genome position (GRCh38, 1-based): chr7:55,173,989, T>G. VCF-style: chr7-55173989-T-G. GRCh37 (hg19) VCF-style: chr7-55241682-T-G.
Other names: c.2130T>G (NM_005228.3); c.1995T>G, p.Thr665= (NM_001346897.2, NM_001346899.2); c.2130T>G, p.Thr710= (NM_001346898.2); c.1971T>G, p.Thr657= (NM_001346900.2); c.1329T>G, p.Thr443= (NM_001346941.2).
Identifiers: ClinVar variation 1658112 (VCV001658112.10), dbSNP rs775986651, ClinGen allele CA454979157.